The following is an entry in ClinVar:

ClinVar aggregate classification (germline): Uncertain significance (1 of 4 stars; one submission).

Allele frequency attached by ClinVar (database versions not stated): gnomAD exomes below 0.00001 and 0.00001; ExAC 0.00001; gnomAD 0.00001; TOPMed 0.00002; ESP Exome Variant Server 0.00008.
gnomAD v4.1: 10 of 1,613,874 alleles (0.00062%); highest among the groups gnomAD compares: Non-Finnish European, 0.00085%; no homozygotes.

Submission:

Labcorp Genetics (formerly Invitae), Labcorp
Classification: Uncertain significance. Last evaluated: 2022-02-21. Review status: criteria provided, single submitter. Criteria: Invitae Variant Classification Sherloc (09022015). Collection method: clinical testing. Allele origin: germline.
Comment: This sequence change replaces histidine, which is basic and polar, with leucine, which is neutral and non-polar, at codon 231 of the RTN4IP1 protein (p.His231Leu). This variant is present in population databases (rs145728822, gnomAD 0.0009%). In summary, the available evidence is currently insufficient to determine the role of this variant in disease. Therefore, it has been classified as a Variant of Uncertain Significance. Algorithms developed to predict the effect of missense changes on protein structure and function are either unavailable or do not agree on the potential impact of this missense change (SIFT: "Tolerated"; PolyPhen-2: "Possibly Damaging"; Align-GVGD: "Class C0"). ClinVar contains an entry for this variant (Variation ID: 1007075). This variant has not been reported in the literature in individuals affected with RTN4IP1-related conditions.

NM_032730.5(RTN4IP1):c.692A>T (p.His231Leu)

Gene: RTN4IP1 (reticulon 4 interacting protein 1; minus strand). Cytogenetic location: 6q21.
Variant type: single nucleotide variant.
Coding change: c.692A>T on transcript NM_032730.5 (MANE Select); coding-DNA position 692, A replaced by T.
Protein change: p.His231Leu; replaces histidine 231 with leucine.
Molecular consequence: missense variant.
Genome position (GRCh38, 1-based): chr6:106,592,278, T>A on the plus strand (A>T on the coding strand, the complement: RTN4IP1 is on the minus strand). VCF-style: chr6-106592278-T-A. GRCh37 (hg19) VCF-style: chr6-107040153-T-A.
Other names: c.392A>T, p.His131Leu (NM_001318746.1); short protein forms H131L, H231L.
Identifiers: ClinVar variation 1007075 (VCV001007075.10), dbSNP rs145728822, ClinGen allele CA3944392.
Genomic context (GRCh38, chr6:106,592,278, plus strand): 5'-TCGTCTGCACCAAGCTTCCTTACAAGTTCACTGGCATCTTGGGAGCAAACTGCTGTCACA[T>A]GAGCATCCCATGCTTTCATTACCTGCCCCCCACCAAAAAGAAAAAAAGAATAAAAAAGGG-3'
Protein context (NP_116119.2, residues 221-241): AIQVMKAWDA[His231Leu]VTAVCSQDAS